The following is an entry in ClinVar:

NC_000023.10:g.(?_108867821)_(108868249_?)del

Gene: KCNE5 (potassium voltage-gated channel subfamily E regulatory subunit 5; minus strand). Cytogenetic location: Xq23.
Variant type: Deletion.
Identifiers: ClinVar variation 2425791 (VCV002425791.3).

ClinVar aggregate classification (germline): Uncertain significance (1 of 4 stars; one submission).

Conditions:
Brugada syndrome. Also called: Sudden unexpected nocturnal death syndrome; Sudden unexplained nocturnal death syndrome; Sudden Unexplained Death Syndrome; Sudden Unexplained Nocturnal Death Syndrome (SUNDS). Identifiers: Orphanet 130, MedGen C1142166, MONDO:0015263.

Submission:

Labcorp Genetics (formerly Invitae), Labcorp
Classification: Uncertain significance for Brugada syndrome. Last evaluated: 2021-04-08. Review status: criteria provided, single submitter. Criteria: Invitae Variant Classification Sherloc (09022015). Collection method: clinical testing. Allele origin: germline.
Comment: A gross deletion of the genomic region encompassing the full coding sequence of the KCNE5 gene has been identified. The current clinical and genetic evidence is not sufficient to establish whether loss-of-function variants in KCNE5 cause disease. The boundaries of this event are unknown as they extend beyond the assayed region for this gene and therefore may encompass additional genes. This variant has not been reported in the literature in individuals with KCNE5-related conditions. In summary, the available evidence is currently insufficient to determine the role of this variant in disease. Therefore, it has been classified as a Variant of Uncertain Significance.